The following is an entry in ClinVar:

NM_001348768.2(HECW2):c.2763del (p.Pro921_Val922insTer)

Gene: HECW2 (HECT, C2 and WW domain containing E3 ubiquitin protein ligase 2; minus strand). Cytogenetic location: 2q32.3.
Variant type: Deletion.
Coding change: c.2763del on transcript NM_001348768.2 (MANE Select); coding-DNA position 2763, one base deleted (C; older notation c.2763delC).
Protein change: p.Pro921_Val922insTer.
Molecular consequence: frameshift variant.
Genome position (GRCh38, 1-based): chr2:196,306,539, G deleted on the plus strand (C on the coding strand, the reverse complement: HECW2 is on the minus strand); the first of 6 consecutive G bases (chr2:196,306,539-196,306,544); deleting any one gives the same sequence. VCF-style (leftmost placement, unchanged base first): chr2-196306538-CG-C. GRCh37 (hg19) VCF-style: chr2-197171262-CG-C.
Other names: c.1695del, p.Pro565_Val566insTer (NM_001304840.3); c.2763del, p.Pro921_Val922insTer (NM_020760.4).
Identifiers: ClinVar variation 2502642 (VCV002502642.2), dbSNP rs2468984538, ClinGen allele CA430523839.

ClinVar aggregate classification (germline): Uncertain significance (1 of 4 stars; one submission).

Submission:

GeneDx
Classification: Uncertain significance. Last evaluated: 2024-08-16. Review status: criteria provided, single submitter. Criteria: GeneDx Variant Classification Process June 2021. Collection method: clinical testing. Allele origin: germline.
Comment: De novo variant with confirmed parentage in a patient with a neurodevelopmental disorder in the published literature (PMID: 28135719); Nonsense variant predicted to result in protein truncation or nonsense mediated decay in a gene or region of a gene for which loss of function is not a well-established mechanism of disease; Not observed at significant frequency in large population cohorts (gnomAD); This variant is associated with the following publications: (PMID: 31785789, 33057194, 35982159, 27535533, 28135719)